The following is an entry in ClinVar:

ClinVar aggregate classification (germline): Uncertain significance. Review status: criteria provided, multiple submitters, no conflicts (2 of 4 stars). 2 submissions from 2 submitters: Uncertain significance (2). Last evaluated 2024-04-29.

Conditions:
Ehlers-Danlos syndrome, classic type, 1 (EDSCL1). Also called: EHLERS-DANLOS SYNDROME, GRAVIS TYPE; EHLERS-DANLOS SYNDROME, SEVERE CLASSIC TYPE; Ehlers-Danlos syndrome, type 1; Ehlers-Danlos Syndrome, Classic Type, COL5A1-Related; EDS I. Identifiers: MedGen C0268335, MONDO:0019567, OMIM 130000.

Allele frequency attached by ClinVar (database versions not stated): TOPMed below 0.00001; gnomAD exomes below 0.00001.
gnomAD v4.1: 6 of 1,612,558 alleles (0.00037%); highest among the groups gnomAD compares: South Asian, 0.0011%; no homozygotes.

Submissions (2):

Labcorp Genetics (formerly Invitae), Labcorp
Classification: Uncertain significance for Ehlers-Danlos syndrome, classic type, 1. Last evaluated: 2024-04-29. Review status: criteria provided, single submitter. Criteria: Invitae Variant Classification Sherloc (09022015). Collection method: clinical testing. Allele origin: germline.
Comment: This sequence change replaces glycine, which is neutral and non-polar, with arginine, which is basic and polar, at codon 936 of the COL5A2 protein (p.Gly936Arg). This variant is not present in population databases (gnomAD no frequency). This variant has not been reported in the literature in individuals affected with COL5A2-related conditions. ClinVar contains an entry for this variant (Variation ID: 1436183). Advanced modeling of protein sequence and biophysical properties (such as structural, functional, and spatial information, amino acid conservation, physicochemical variation, residue mobility, and thermodynamic stability) performed at Invitae indicates that this missense variant is expected to disrupt COL5A2 protein function with a positive predictive value of 80%. In summary, the available evidence is currently insufficient to determine the role of this variant in disease. Therefore, it has been classified as a Variant of Uncertain Significance.

GeneDx
Classification: Uncertain significance. Last evaluated: 2023-12-14. Review status: criteria provided, single submitter. Criteria: GeneDx Variant Classification Process June 2021. Collection method: clinical testing. Allele origin: germline. Affected: yes.
Comment: Identified in a patient with aortic dissection in published literature (PMID: 36307044); Not observed at significant frequency in large population cohorts (gnomAD); In silico analysis supports that this missense variant has a deleterious effect on protein structure/function; This variant is associated with the following publications: (PMID: 22696272, 36307044)

NM_000393.5(COL5A2):c.2806G>A (p.Gly936Arg)

Gene: COL5A2 (collagen type V alpha 2 chain; minus strand). Cytogenetic location: 2q32.2.
Variant type: single nucleotide variant.
Coding change: c.2806G>A on transcript NM_000393.5 (MANE Select); coding-DNA position 2806, G replaced by A.
Protein change: p.Gly936Arg; replaces glycine 936 with arginine.
Molecular consequence: missense variant.
Genome position (GRCh38, 1-based): chr2:189,051,445, C>T on the plus strand (G>A on the coding strand, the complement: COL5A2 is on the minus strand). VCF-style: chr2-189051445-C-T. GRCh37 (hg19) VCF-style: chr2-189916171-C-T.
Other names: c.2806G>A (NM_000393.3); short protein forms G936R.
Identifiers: ClinVar variation 1436183 (VCV001436183.7), dbSNP rs1471655044, ClinGen allele CA349868284.